The following is an entry in ClinVar:

ClinVar aggregate classification (germline): Uncertain significance (1 of 4 stars; one submission).

Conditions:
Malignant hyperthermia, susceptibility to, 5 (MHS5). Also called: CACNA1S-Related Malignant Hyperthermia Susceptibility. Identifiers: Orphanet 423, MedGen C1866077, MONDO:0011163, OMIM 601887.

Allele frequency attached by ClinVar (database versions not stated): gnomAD exomes below 0.00001.
gnomAD v4.1: 1 of 1,613,640 alleles (0.000062%); highest among the groups gnomAD compares: East Asian, 0.0022%; no homozygotes.

Submission:

All of Us Research Program, National Institutes of Health
Classification: Uncertain significance for Malignant hyperthermia, susceptibility to, 5. Last evaluated: 2023-08-15. Review status: criteria provided, single submitter. Criteria: ACMG Guidelines, 2015. Collection method: clinical testing. Allele origin: germline. Inheritance: Autosomal dominant inheritance. Observed: 1 variant allele, 1 heterozygote.
Comment: This variant is located in the CACNA1S protein. To our knowledge, functional studies have not been reported for this variant. This variant has not been reported in individuals affected with CACNA1S-related disorders in the literature. This variant has not been identified in the general population by the Genome Aggregation Database (gnomAD). The available evidence is insufficient to determine the role of this variant in disease conclusively. Therefore, this variant is classified as a Variant of Uncertain Significance.

This study involves interpretation of variants in research participants for the purpose of population health screening. Participant phenotype was not available at the time of variant classification. Additional details can be found in publication PMID: 35346344, PMCID: PMC8962531

NM_000069.3(CACNA1S):c.3621C>T (p.Ala1207=)

Gene: CACNA1S (calcium voltage-gated channel subunit alpha1 S; minus strand). Cytogenetic location: 1q32.1.
Variant type: single nucleotide variant.
Coding change: c.3621C>T on transcript NM_000069.3 (MANE Select); coding-DNA position 3621, C replaced by T.
Protein change: p.Ala1207=; no amino-acid change (alanine 1207 retained).
Molecular consequence: synonymous variant.
Genome position (GRCh38, 1-based): chr1:201,054,550, G>A on the plus strand (C>T on the coding strand, the complement: CACNA1S is on the minus strand). VCF-style: chr1-201054550-G-A. GRCh37 (hg19) VCF-style: chr1-201023678-G-A.
Identifiers: ClinVar variation 3072819 (VCV003072819.1), dbSNP rs2464466679, ClinGen allele CA422719730.